The following is an entry in ClinVar:

NM_001127221.2(CACNA1A):c.5554A>G (p.Met1852Val)

Gene: CACNA1A (calcium voltage-gated channel subunit alpha1 A; minus strand). Cytogenetic location: 19p13.13.
Variant type: single nucleotide variant.
Coding change: c.5554A>G on transcript NM_001127221.2 (MANE Plus Clinical); coding-DNA position 5554, A replaced by G.
Protein change: p.Met1852Val; replaces methionine 1852 with valine.
Molecular consequence: missense variant. On other transcripts: intron variant (4).
Genome position (GRCh38, 1-based): chr19:13,228,773, T>C on the plus strand (A>G on the coding strand, the complement: CACNA1A is on the minus strand). VCF-style: chr19-13228773-T-C. GRCh37 (hg19) VCF-style: chr19-13339587-T-C.
Other names: c.5529-1246A>G (NM_001127222.2); c.5538-1246A>G (NM_001174080.2); c.5547-1246A>G (NM_000068.4, NM_023035.3); short protein forms M1852V.
Identifiers: ClinVar variation 1372251 (VCV001372251.6), dbSNP rs2144616837, ClinGen allele CA404331810.

ClinVar aggregate classification (germline): Uncertain significance (1 of 4 stars; one submission).

Conditions:
Episodic ataxia type 2 (EA2). Also called: ATAXIA, EPISODIC, WITH NYSTAGMUS; ATAXIA, FAMILIAL PAROXYSMAL; CEREBELLAR ATAXIA, PAROXYSMAL, ACETAZOLAMIDE-RESPONSIVE; CEREBELLOPATHY, HEREDITARY PAROXYSMAL; EPISODIC ATAXIA, NYSTAGMUS-ASSOCIATED; ACETAZOLAMIDE-RESPONSIVE HEREDITARY PAROXYSMAL CEREBELLAR ATAXIA. Identifiers: Orphanet 97, MedGen C1720416, MONDO:0007163, OMIM 108500.
Developmental and epileptic encephalopathy, 42 (DEE42A). Also called: DEVELOPMENTAL AND EPILEPTIC ENCEPHALOPATHY 42A; EPILEPTIC ENCEPHALOPATHY, EARLY INFANTILE, 42A; Epileptic encephalopathy, early infantile, 42. Identifiers: MedGen C4310716, MONDO:0014917, OMIM 617106.

Allele frequency attached by ClinVar (database versions not stated): gnomAD exomes below 0.00001.
gnomAD v4.1: 3 of 1,597,202 alleles (0.00019%); highest among the groups gnomAD compares: Non-Finnish European, 0.00026%; no homozygotes.

Submission:

Labcorp Genetics (formerly Invitae), Labcorp
Classification: Uncertain significance for Developmental and epileptic encephalopathy, 42; Episodic ataxia type 2. Last evaluated: 2023-07-14. Review status: criteria provided, single submitter. Criteria: Invitae Variant Classification Sherloc (09022015). Collection method: clinical testing. Allele origin: germline.
Comment: This sequence change replaces methionine, which is neutral and non-polar, with valine, which is neutral and non-polar, at codon 1852 of the CACNA1A protein (p.Met1852Val). In summary, the available evidence is currently insufficient to determine the role of this variant in disease. Therefore, it has been classified as a Variant of Uncertain Significance. Advanced modeling of protein sequence and biophysical properties (such as structural, functional, and spatial information, amino acid conservation, physicochemical variation, residue mobility, and thermodynamic stability) performed at Invitae indicates that this missense variant is not expected to disrupt CACNA1A protein function. ClinVar contains an entry for this variant (Variation ID: 1372251). This variant has not been reported in the literature in individuals affected with CACNA1A-related conditions. This variant is not present in population databases (gnomAD no frequency).